The following is an entry in ClinVar:

ClinVar aggregate classification (germline): Likely benign. Review status: criteria provided, single submitter (1 of 4 stars). 2 submissions from 2 submitters: Likely benign (1). 1 of the submissions does not count toward it. Last evaluated 2023-10-09.

Conditions:
ABCA2-related disorder. Also called: ABCA2-related condition.

Allele frequency attached by ClinVar (database versions not stated): ExAC 0.00001; gnomAD 0.00001; gnomAD exomes 0.00002; TOPMed 0.00003; ESP Exome Variant Server 0.00008.
gnomAD v4.1: 25 of 1,610,380 alleles (0.0016%); highest among the groups gnomAD compares: African/African-American, 0.0027%; no homozygotes.

Submissions (2):

Blueprint Genetics
Classification: Likely benign. Last evaluated: 2023-10-09. Review status: criteria provided, single submitter. Criteria: ACMG Guidelines, 2015. Collection method: clinical testing. Allele origin: germline.

PreventionGenetics, part of Exact Sciences
Classification: Likely benign for ABCA2-related condition. Last evaluated: 2019-03-05. Review status: no assertion criteria provided. Collection method: clinical testing. Allele origin: germline. Not counted in ClinVar's aggregate classification.
Comment: This variant is classified as likely benign based on ACMG/AMP sequence variant interpretation guidelines (Richards et al. 2015 PMID: 25741868, with internal and published modifications).

NM_001606.5(ABCA2):c.4422C>T (p.Thr1474=)

Gene: ABCA2 (ATP binding cassette subfamily A member 2; minus strand). Cytogenetic location: 9q34.3.
Variant type: single nucleotide variant.
Coding change: c.4422C>T on transcript NM_001606.5 (MANE Select); coding-DNA position 4422, C replaced by T.
Protein change: p.Thr1474=; no amino-acid change (threonine 1474 retained).
Molecular consequence: synonymous variant.
Genome position (GRCh38, 1-based): chr9:137,013,857, G>A on the plus strand (C>T on the coding strand, the complement: ABCA2 is on the minus strand). VCF-style: chr9-137013857-G-A. GRCh37 (hg19) VCF-style: chr9-139908309-G-A.
Other names: c.4419C>T, p.Thr1473= (NM_001411042.1); c.4512C>T, p.Thr1504= (NM_212533.3).
Identifiers: ClinVar variation 3053840 (VCV003053840.3), dbSNP rs368987383, ClinGen allele CA5354409.
Genomic context (GRCh38, chr9:137,013,857, plus strand): 5'-GCAAGCCCAGCACCCCTGTCCAGCCGGTGGCCTACCAATCTCCGGGACGGACAGGGCCAC[G>A]GTCATGGCCACGCAGACGAAGAAGGCTGGCAGCAAGATCTGGGAGAAGAGTGCCTTGGAG-3'
Protein context (NP_001597.2, residues 1464-1484): LPAFFVCVAM[Thr1474=]VALSVPEIGD